The following is an entry in ClinVar:

NM_000742.4(CHRNA2):c.1465-21_1465-20inv

Gene: CHRNA2 (cholinergic receptor nicotinic alpha 2 subunit; minus strand). Cytogenetic location: 8p21.2.
Variant type: Inversion.
Coding change: c.1465-21_1465-20inv on transcript NM_000742.4 (MANE Select).
Molecular consequence: intron variant.
Genome position: GRCh38 VCF-style: chr8-27461774-CA-TG. GRCh37 (hg19) VCF-style: chr8-27319291-CA-TG.
Other names: c.988-21_988-20inv (NM_001347705.2, NM_001347706.2); c.1420-21_1420-20inv (NM_001282455.2); c.871-21_871-20inv (NM_001347708.2, NM_001347707.2).
Identifiers: ClinVar variation 2115569 (VCV002115569.4), ClinGen allele CA2580078090.

ClinVar aggregate classification (germline): Uncertain significance (1 of 4 stars; one submission).

Conditions:
Familial sleep-related hypermotor epilepsy. Also called: Autosomal Dominant Sleep-Related Hypermotor (Hyperkinetic) Epilepsy. Identifiers: Orphanet 98784, MedGen C3696898, MONDO:0000030.

Submission:

Labcorp Genetics (formerly Invitae), Labcorp
Classification: Uncertain significance. Last evaluated: 2022-03-21. Review status: criteria provided, single submitter. Criteria: Invitae Variant Classification Sherloc (09022015). Collection method: clinical testing. Allele origin: germline.
Comment: In summary, the available evidence is currently insufficient to determine the role of this variant in disease. Therefore, it has been classified as a Variant of Uncertain Significance. Experimental studies and prediction algorithms are not available or were not evaluated, and the effect of this variant on mRNA splicing is currently unknown. This variant has not been reported in the literature in individuals affected with CHRNA2-related conditions. Information on the frequency of this variant in the gnomAD database is not available, as this variant may be reported differently in the database. This sequence change falls in intron 6 of the CHRNA2 gene. It does not directly change the encoded amino acid sequence of the CHRNA2 protein.